The following is an entry in ClinVar:

NM_001384732.1(CPLANE1):c.4530T>G (p.Asp1510Glu)

Gene: CPLANE1 (ciliogenesis and planar polarity effector complex subunit 1; minus strand). Cytogenetic location: 5p13.2.
Variant type: single nucleotide variant.
Coding change: c.4530T>G on transcript NM_001384732.1 (MANE Select); coding-DNA position 4530, T replaced by G.
Protein change: p.Asp1510Glu; replaces aspartic acid 1510 with glutamic acid.
Molecular consequence: missense variant.
Genome position (GRCh38, 1-based): chr5:37,183,651, A>C on the plus strand (T>G on the coding strand, the complement: CPLANE1 is on the minus strand). VCF-style: chr5-37183651-A-C. GRCh37 (hg19) VCF-style: chr5-37183753-A-C.
Other names: c.4530T>G, p.Asp1510Glu (NM_023073.4); short protein forms D1510E.
Identifiers: ClinVar variation 1402021 (VCV001402021.8), dbSNP rs1219880926, ClinGen allele CA359498085.

ClinVar aggregate classification (germline): Uncertain significance (1 of 4 stars; one submission).

Submission:

Labcorp Genetics (formerly Invitae), Labcorp
Classification: Uncertain significance. Last evaluated: 2023-08-24. Review status: criteria provided, single submitter. Criteria: Invitae Variant Classification Sherloc (09022015). Collection method: clinical testing. Allele origin: germline.
Comment: This sequence change replaces aspartic acid, which is acidic and polar, with glutamic acid, which is acidic and polar, at codon 1510 of the CPLANE1 protein (p.Asp1510Glu). This variant is not present in population databases (gnomAD no frequency). This variant has not been reported in the literature in individuals affected with CPLANE1-related conditions. ClinVar contains an entry for this variant (Variation ID: 1402021). Advanced modeling of protein sequence and biophysical properties (such as structural, functional, and spatial information, amino acid conservation, physicochemical variation, residue mobility, and thermodynamic stability) performed at Invitae indicates that this missense variant is not expected to disrupt CPLANE1 protein function. In summary, the available evidence is currently insufficient to determine the role of this variant in disease. Therefore, it has been classified as a Variant of Uncertain Significance.